The following is an entry in ClinVar:

ClinVar aggregate classification (germline): Conflicting classifications of pathogenicity. Review status: criteria provided, conflicting classifications (1 of 4 stars). 20 submissions from 16 submitters: Uncertain significance (4); Benign (6); Likely benign (8). 2 of the submissions do not count toward it. Last evaluated 2026-02-03.

Conditions:
Cardiovascular phenotype. Identifiers: MedGen CN230736.
Dilated cardiomyopathy 1G (CMD1G). Identifiers: Orphanet 154, MedGen C1858763, MONDO:0011400, OMIM 604145.
Autosomal recessive limb-girdle muscular dystrophy type 2J (LGMDR10). Also called: Limb-girdle muscular dystrophy, type 2J; MUSCULAR DYSTROPHY, LIMB-GIRDLE, AUTOSOMAL RECESSIVE 10. Identifiers: Orphanet 140922, MedGen C1837342, MONDO:0012127, OMIM 608807.
Cardiomyopathy (CMYO). Also called: Cardiomyopathies. Identifiers: Orphanet 167848, MedGen C0878544, MONDO:0004994, HP:0001638. Inheritance: Various modes of inheritance.
Early-onset myopathy with fatal cardiomyopathy (CMYO5). Also called: CONGENITAL MYOPATHY 5 WITH CARDIOMYOPATHY; Salih Myopathy. Identifiers: Orphanet 289377, MedGen C2673677, MONDO:0012714, OMIM 611705. Disease mechanism: loss of function.
Myopathy, myofibrillar, 9, with early respiratory failure (MFM9). Also called: MYOPATHY, PROXIMAL, WITH EARLY RESPIRATORY MUSCLE INVOLVEMENT; Myopathy, distal, with early respiratory failure, autosomal dominant; Hereditary myopathy with early respiratory failure; EDSTROM MYOPATHY. Identifiers: Orphanet 178464, Orphanet 34521, MedGen C1863599, MONDO:0011362, OMIM 603689.
Tibial muscular dystrophy (TMD). Also called: Tibial muscular dystrophy, tardive; UDD MYOPATHY; Udd Distal Myopathy – Tibial Muscular Dystrophy. Identifiers: Orphanet 609, MedGen C1838244, MONDO:0010870, OMIM 600334.
Primary dilated cardiomyopathy (DCM). Also called: Dilated Cardiomyopathy. Identifiers: Orphanet 217604, MedGen C0007193, MeSH D002311, MONDO:0005021, HP:0001644. Inheritance: Various modes of inheritance.

Allele frequency attached by ClinVar (database versions not stated): 1000 Genomes Project 0.00120; 1000 Genomes Project 30x 0.00125; TOPMed 0.00229.
gnomAD v4.1: 527 of 1,546,346 alleles (0.034%); highest among the groups gnomAD compares: African/African-American, 0.64%; no homozygotes.

Submissions (20):

Labcorp Genetics (formerly Invitae), Labcorp
Classification: Benign for Dilated cardiomyopathy 1G; Autosomal recessive limb-girdle muscular dystrophy type 2J. Last evaluated: 2026-02-03. Review status: criteria provided, single submitter. Criteria: Invitae Variant Classification Sherloc (09022015). Collection method: clinical testing. Allele origin: germline.

Mayo Clinic Laboratories, Mayo Clinic
Classification: Likely benign. Last evaluated: 2025-08-15. Review status: criteria provided, single submitter. Criteria: ACMG Guidelines, 2015. Collection method: clinical testing. Allele origin: germline. Observed: 5 variant alleles.
Comment: BS1, BP4

Molecular Diagnostic Laboratory for Inherited Cardiovascular Disease, Montreal Heart Institute
Classification: Likely benign. Last evaluated: 2025-04-09. Review status: criteria provided, single submitter. Criteria: ACMG Guidelines, 2015. Collection method: clinical testing. Allele origin: germline. Affected: no.

ARUP Laboratories, Molecular Genetics and Genomics, ARUP Laboratories
Classification: Likely benign. Last evaluated: 2023-03-28. Review status: criteria provided, single submitter. Criteria: ARUP Molecular Germline Variant Investigation Process 2024. Collection method: clinical testing. Allele origin: germline.

Women's Health and Genetics/Laboratory Corporation of America, LabCorp
Classification: Benign. Last evaluated: 2021-07-19. Review status: criteria provided, single submitter. Criteria: LabCorp Variant Classification Summary - May 2015. Collection method: clinical testing. Allele origin: germline.
Comment: Variant summary: TTN c.90056G>C (p.Arg30019Pro) results in a non-conservative amino acid change located in the A-band region of the encoded protein sequence. Three of four in-silico tools predict a damaging effect of the variant on protein function. The variant allele was found at a frequency of 0.00039 in 167792 control chromosomes, predominantly at a frequency of 0.0055 within the African or African-American subpopulation in the gnomAD database. The observed variant frequency within African or African-American control individuals in the gnomAD database is approximately 14-fold of the estimated maximal expected allele frequency for a pathogenic variant in TTN causing Dilated Cardiomyopathy phenotype (0.00039), strongly suggesting that the variant is a benign polymorphism found primarily in populations of African or African-American origin. To our knowledge, no occurrence of c.90056G>C in individuals affected with Dilated Cardiomyopathy and no experimental evidence demonstrating its impact on protein function have been reported. Six ClinVar submitters (evaluation after 2014) cite the variant as benign/likely benign and one ClinVar submitter (evaluation after 2014) cites it as uncertain significance. Based on the evidence outlined above, the variant was classified as benign.

GeneDx
Classification: Likely benign. Last evaluated: 2020-12-03. Review status: criteria provided, single submitter. Criteria: GeneDx Variant Classification Process June 2021. Collection method: clinical testing. Allele origin: germline. Affected: yes.
Comment: This variant is associated with the following publications: (PMID: 23861362)

Athena Diagnostics
Classification: Benign. Last evaluated: 2019-11-12. Review status: criteria provided, single submitter. Criteria: Athena Diagnostics Criteria. Collection method: clinical testing. Allele origin: unknown.

Illumina Laboratory Services, Illumina
Classification: Benign for Tibial muscular dystrophy. Last evaluated: 2018-01-12. Review status: criteria provided, single submitter. Criteria: ICSL Variant Classification Criteria 13 December 2019. Collection method: clinical testing. Allele origin: germline.
Comment: This variant was observed in the ICSL laboratory as part of a predisposition screen in an ostensibly healthy population. It had not been previously curated by ICSL or reported in the Human Gene Mutation Database (HGMD: prior to June 1st, 2018), and was therefore a candidate for classification through an automated scoring system. Utilizing variant allele frequency, disease prevalence and penetrance estimates, and inheritance mode, an automated score was calculated to assess if this variant is too frequent to cause the disease. Based on the score and internal cut-off values, a variant classified as benign is not then subjected to further curation. The score for this variant resulted in a classification of benign for this disease.

Illumina Laboratory Services, Illumina
Classification: Uncertain significance for Autosomal recessive limb-girdle muscular dystrophy type 2J. Last evaluated: 2018-01-12. Review status: criteria provided, single submitter. Criteria: ICSL Variant Classification Criteria 13 December 2019. Collection method: clinical testing. Allele origin: germline.

Illumina Laboratory Services, Illumina
Classification: Benign for Myopathy, myofibrillar, 9, with early respiratory failure. Last evaluated: 2018-01-12. Review status: criteria provided, single submitter. Criteria: ICSL Variant Classification Criteria 13 December 2019. Collection method: clinical testing. Allele origin: germline.
Comment: the same text as in the submission from Illumina Laboratory Services, Illumina above.

Illumina Laboratory Services, Illumina
Classification: Uncertain significance for Early-onset myopathy with fatal cardiomyopathy. Last evaluated: 2018-01-12. Review status: criteria provided, single submitter. Criteria: ICSL Variant Classification Criteria 13 December 2019. Collection method: clinical testing. Allele origin: germline.

Illumina Laboratory Services, Illumina
Classification: Uncertain significance for Dilated cardiomyopathy 1G. Last evaluated: 2018-01-12. Review status: criteria provided, single submitter. Criteria: ICSL Variant Classification Criteria 13 December 2019. Collection method: clinical testing. Allele origin: germline.

CHEO Genetics Diagnostic Laboratory, Children's Hospital of Eastern Ontario
Classification: Likely benign for Cardiomyopathy. Last evaluated: 2016-09-08. Review status: criteria provided, single submitter. Criteria: ACMG Guidelines, 2015. Collection method: clinical testing. Allele origin: germline. Study: Canadian Open Genetics Repository.

Laboratory for Molecular Medicine, Mass General Brigham Personalized Medicine
Classification: Benign. Last evaluated: 2015-06-10. Review status: criteria provided, single submitter. Criteria: LMM Criteria. Collection method: clinical testing. Allele origin: germline. Observed: 4 variant alleles.
Comment: p.Arg30019Pro in exon 299 of TTN: This variant is not expected to have clinical significance because it has been identified in 0.9% (28/2972) of African chromos omes by the Exome Aggregation Consortium (ExAC; dbSNP rs55704830).

Eurofins Ntd Llc (ga)
Classification: Likely benign. Last evaluated: 2014-12-16. Review status: criteria provided, single submitter. Criteria: EGL Classification Definitions 2015. Collection method: clinical testing. Allele origin: germline. Observed: 1 variant allele, 1 heterozygote.

Ambry Genetics
Classification: Uncertain significance for Cardiovascular phenotype. Last evaluated: 2013-11-08. Review status: criteria provided, single submitter. Criteria: Ambry Autosomal Dominant and X-Linked criteria (10/2015). Collection method: clinical testing. Allele origin: germline. Observed: 1 variant allele.
Comment: The p.R30019P variant (also known as c.90056G>C) is located in coding exon 298 of the TTNgene. This alteration results from a G to C substitution at nucleotide position 90056. The arginine at codon 30019 is replaced by proline, an amino acid with dissimilar properties. This alteration was reported in a cohort of individuals enrolled in the ClinSeq project in 2/1506 alleles (0.13%) and classified aslikelynot pathogenic in this publication. Another alteration at this position, p.R30019H, was detected in 4/1508 (0.26%) of alleles in this cohort(Ng D et al.Circ Cardiovasc Genet.2013;6:337-346). This variant was not reported in population-based cohorts in the following databases: Database of Single Nucleotide Polymorphisms (dbSNP), the 1000 Genomes Project and the NHLBI Exome Sequencing Project (ESP). In the ESP, this variant was not reported in 6058 samples (12116 alleles) with coverage at this position. However, p.R30019H was reported in the ESP and 1000 Genomes with overall frequencies of 0.37% (45/12116) and 0.09% (2/2184), respectively. Based on protein sequence alignment, this amino acid position isconserved through amphibians, but is not conserved throughout available vertebrate species. In addition, this alteration is predicted to be possibly damaging by PolyPhen analysis. Since supporting evidence is limited at this time, the clinical significance of this variant remains unclear.

Biesecker Lab/Clinical Genomics Section, National Institutes of Health
Classification: Likely benign. Last evaluated: 2013-06-24. Review status: criteria provided, single submitter. Criteria: Ng et al. (Circ Cardiovasc Genet. 2013). Collection method: research. Allele origin: unknown. Observed: 2 variant alleles. Study: ClinSeq.
Comment: The study set was not selected for affection status in relation to any cancer. Pathogenicity categories were based on literature curation. See Pubmed ID:23861362 for details.

Medical sequencing

Genetics and Genomics Program, Sidra Medicine
Classification: Likely benign for Primary dilated cardiomyopathy. Review status: criteria provided, single submitter. Criteria: ACMG Guidelines, 2015. Collection method: research. Allele origin: unknown. Affected: yes. Observed: 1 variant allele.

Clinical Genetics, Academic Medical Center
Classification: Benign. Review status: no assertion criteria provided. Collection method: clinical testing. Allele origin: germline. Affected: yes. Study: VKGL Data-share Consensus. Not counted in ClinVar's aggregate classification.

Genome Diagnostics Laboratory, University Medical Center Utrecht
Classification: Likely benign. Review status: no assertion criteria provided. Collection method: clinical testing. Allele origin: germline. Affected: yes. Study: VKGL Data-share Consensus. Not counted in ClinVar's aggregate classification.

Literature cited by the submitters: PubMed 23861362 (cited by Mayo Clinic Laboratories, Mayo Clinic and Athena Diagnostics); PubMed 32746448 (cited by Mayo Clinic Laboratories, Mayo Clinic); PubMed 27588451 (cited by Athena Diagnostics).

NM_001267550.2(TTN):c.97760G>C (p.Arg32587Pro)

Genes: TTN (titin; minus strand), TTN-AS1 (TTN antisense RNA 1; plus strand). Cytogenetic location: 2q31.2.
Variant type: single nucleotide variant.
Coding change: c.97760G>C on transcript NM_001267550.2 (MANE Select); coding-DNA position 97760, G replaced by C.
Protein change: p.Arg32587Pro; replaces arginine 32587 with proline.
Molecular consequence: missense variant.
Genome position (GRCh38, 1-based): chr2:178,541,317, C>G on the plus strand (G>C on the coding strand, the complement: TTN is on the minus strand). VCF-style: chr2-178541317-C-G. GRCh37 (hg19) VCF-style: chr2-179406044-C-G.
Other names: p.R30946P:CGT>CCT; c.92837G>C, p.Arg30946Pro (NM_001256850.1); c.90056G>C, p.Arg30019Pro (NM_133378.4); c.70565G>C, p.Arg23522Pro (NM_003319.4); c.70940G>C, p.Arg23647Pro (NM_133432.3); c.71141G>C, p.Arg23714Pro (NM_133437.4); short protein forms R32587P, R30019P, R30946P, R23522P, R23647P, R23714P.
Identifiers: ClinVar variation 47589 (VCV000047589.37), dbSNP rs55704830, ClinGen allele CA141448.